The following is an entry in ClinVar:

NM_000718.4(CACNA1B):c.5319+93del

Gene: CACNA1B (calcium voltage-gated channel subunit alpha1 B; plus strand). Cytogenetic location: 9q34.3.
Variant type: Deletion.
Coding change: c.5319+93del on transcript NM_000718.4 (MANE Select); 93 bases into the intron after coding-DNA position 5319, one base deleted (G; older notation c.5319+93delG).
Molecular consequence: intron variant.
Genome position (GRCh38, 1-based): chr9:138,102,900, G deleted; the last of 3 consecutive G bases (chr9:138,102,898-138,102,900); deleting any one gives the same sequence. VCF-style (leftmost placement, unchanged base first): chr9-138102897-AG-A. GRCh37 (hg19) VCF-style: chr9-140997349-AG-A.
Other names: c.5319+93del (NM_001243812.2).
Identifiers: ClinVar variation 1302829 (VCV001302829.4), dbSNP rs35796437, ClinGen allele CA201863735.

ClinVar aggregate classification (germline): Benign. Review status: criteria provided, multiple submitters, no conflicts (2 of 4 stars). 2 submissions from 2 submitters: Benign (2). Last evaluated 2024-07-31.

Submissions (2):

Unidad de Genómica Garrahan, Hospital de Pediatría Garrahan
Classification: Benign. Last evaluated: 2024-07-31. Review status: criteria provided, single submitter. Criteria: ACMG Guidelines, 2015. Collection method: clinical testing. Allele origin: germline. Affected: no. Observed: 20 variant alleles.
Comment: This variant is classified as Benign based on local population frequency. This variant was detected in 22% of patients studied in a panel designed for Epileptic and Developmental Encephalopathy, Progressive Myoclonus Epilepsy and Abnormal Movements and Neurodegeneration with brain iron accumulation. Number of patients: 20. Only high quality variants are reported.

GeneDx
Classification: Benign. Last evaluated: 2021-06-26. Review status: criteria provided, single submitter. Criteria: GeneDx Variant Classification Process June 2021. Collection method: clinical testing. Allele origin: germline. Affected: yes.